The following is an entry in ClinVar:

NM_032578.4(MYPN):c.1222C>G (p.Pro408Ala)

Gene: MYPN (myopalladin; plus strand). Cytogenetic location: 10q21.3.
Variant type: single nucleotide variant.
Coding change: c.1222C>G on transcript NM_032578.4 (MANE Select); coding-DNA position 1222, C replaced by G.
Protein change: p.Pro408Ala; replaces proline 408 with alanine.
Molecular consequence: missense variant. On other transcripts: non-coding transcript variant (2).
Genome position (GRCh38, 1-based): chr10:68,148,444, C>G. VCF-style: chr10-68148444-C-G. GRCh37 (hg19) VCF-style: chr10-69908201-C-G.
Other names: c.1222C>G, p.Pro408Ala (NM_001256267.2); c.340C>G, p.Pro114Ala (NM_001256268.2); short protein forms P408A, P114A.
Identifiers: ClinVar variation 1753398 (VCV001753398.2), dbSNP rs2042707245, ClinGen allele CA376832257.
Genomic context (GRCh38, chr10:68,148,444, plus strand): 5'-CCCACTACCTCTGCAGTCATTCCTCCAGCAGTACCCCAAGCCCAGCATTTGGTGGCCCAA[C>G]CTCGTGTGGCAACCATCCAGCAGGTACAAGAATCCAAGCGAAACACAAGTGCCATCCACT-3'
Protein context (NP_115967.2, residues 398-418): VPQAQHLVAQ[Pro408Ala]RVATIQQCQS

ClinVar aggregate classification (germline): Uncertain significance (1 of 4 stars; one submission).

Conditions:
Cardiovascular phenotype. Identifiers: MedGen CN230736.

Submission:

Ambry Genetics
Classification: Uncertain significance for Cardiovascular phenotype. Last evaluated: 2022-04-07. Review status: criteria provided, single submitter. Criteria: Ambry Variant Classification Scheme 2023. Collection method: clinical testing. Allele origin: germline.
Comment: The p.P408A variant (also known as c.1222C>G), located in coding exon 4 of the MYPN gene, results from a C to G substitution at nucleotide position 1222. The proline at codon 408 is replaced by alanine, an amino acid with highly similar properties. This amino acid position is conserved. In addition, this alteration is predicted to be tolerated by in silico analysis. Since supporting evidence is limited at this time, the clinical significance of this alteration remains unclear.